The following is an entry in ClinVar:

NM_005477.3(HCN4):c.3586C>A (p.Arg1196Ser)

Gene: HCN4 (hyperpolarization activated cyclic nucleotide gated potassium channel 4; minus strand). Cytogenetic location: 15q24.1.
Variant type: single nucleotide variant.
Coding change: c.3586C>A on transcript NM_005477.3 (MANE Select); coding-DNA position 3586, C replaced by A.
Protein change: p.Arg1196Ser; replaces arginine 1196 with serine.
Molecular consequence: missense variant.
Genome position (GRCh38, 1-based): chr15:73,322,507, G>T on the plus strand (C>A on the coding strand, the complement: HCN4 is on the minus strand). VCF-style: chr15-73322507-G-T. GRCh37 (hg19) VCF-style: chr15-73614848-G-T.
Other names: c.3586C>A (NM_005477.2); short protein forms R1196S.
Identifiers: ClinVar variation 1385984 (VCV001385984.9), dbSNP rs780977563, ClinGen allele CA393084699.

ClinVar aggregate classification (germline): Uncertain significance. Review status: criteria provided, multiple submitters, no conflicts (2 of 4 stars). 2 submissions from 2 submitters: Uncertain significance (2). Last evaluated 2025-09-01.

Conditions:
Cardiovascular phenotype. Identifiers: MedGen CN230736.
Brugada syndrome 8 (BRGDA8). Identifiers: Orphanet 130, MedGen C2751083, MONDO:0013148, OMIM 613123.

gnomAD v4.1: 1 of 1,599,346 alleles (0.000063%); highest among the groups gnomAD compares: Non-Finnish European, 0.000085%; no homozygotes.

Submissions (2):

Ambry Genetics
Classification: Uncertain significance for Cardiovascular phenotype. Last evaluated: 2025-09-01. Review status: criteria provided, single submitter. Criteria: Ambry Variant Classification Scheme 2023. Collection method: clinical testing. Allele origin: germline.

Labcorp Genetics (formerly Invitae), Labcorp
Classification: Uncertain significance for Brugada syndrome 8. Last evaluated: 2024-01-22. Review status: criteria provided, single submitter. Criteria: Invitae Variant Classification Sherloc (09022015). Collection method: clinical testing. Allele origin: germline.
Comment: This sequence change replaces arginine, which is basic and polar, with serine, which is neutral and polar, at codon 1196 of the HCN4 protein (p.Arg1196Ser). This variant is not present in population databases (gnomAD no frequency). This variant has not been reported in the literature in individuals affected with HCN4-related conditions. ClinVar contains an entry for this variant (Variation ID: 1385984). Advanced modeling of protein sequence and biophysical properties (such as structural, functional, and spatial information, amino acid conservation, physicochemical variation, residue mobility, and thermodynamic stability) performed at Invitae indicates that this missense variant is not expected to disrupt HCN4 protein function with a negative predictive value of 95%. In summary, the available evidence is currently insufficient to determine the role of this variant in disease. Therefore, it has been classified as a Variant of Uncertain Significance.